The following is an entry in ClinVar:

NM_138576.4(BCL11B):c.1237_1243del (p.Pro413fs)

Gene: BCL11B (BCL11 transcription factor B; minus strand). Cytogenetic location: 14q32.2.
Variant type: Deletion.
Coding change: c.1237_1243del on transcript NM_138576.4 (MANE Select); coding-DNA positions 1237 to 1243, 7 bases deleted (CCCCCTG; older notation c.1237_1243delCCCCCTG).
Protein change: p.Pro413fs; shifts the reading frame from proline 413.
Molecular consequence: frameshift variant.
Genome position (GRCh38, 1-based): chr14:99,175,593-99,175,599, CAGGGGG deleted on the plus strand (CCCCCTG on the coding strand, the reverse complement: BCL11B is on the minus strand); deleting any 7 consecutive bases within chr14:99,175,593-99,175,601 gives the same sequence; the c. name uses the placement nearest the transcript's 3' end. VCF-style (leftmost placement, unchanged base first): chr14-99175592-CCAGGGGG-C. GRCh37 (hg19) VCF-style: chr14-99641929-CCAGGGGG-C.
Other names: c.1234_1240del, p.Pro412fs (NM_001282237.2); c.1021_1027del, p.Pro341fs (NM_001282238.2); c.1024_1030del, p.Pro342fs (NM_022898.3); short protein forms P413fs, P341fs, P412fs, P342fs.
Identifiers: ClinVar variation 2114125 (VCV002114125.4), dbSNP rs2503647776, ClinGen allele CA2580089077.

ClinVar aggregate classification (germline): Uncertain significance (1 of 4 stars; one submission).

Submission:

Labcorp Genetics (formerly Invitae), Labcorp
Classification: Uncertain significance. Last evaluated: 2022-03-19. Review status: criteria provided, single submitter. Criteria: Invitae Variant Classification Sherloc (09022015). Collection method: clinical testing. Allele origin: germline.
Comment: This variant has not been reported in the literature in individuals affected with BCL11B-related conditions. In summary, the available evidence is currently insufficient to determine the role of this variant in disease. Therefore, it has been classified as a Variant of Uncertain Significance. Experimental studies and prediction algorithms are not available or were not evaluated, and the functional significance of this variant is currently unknown. This variant is not present in population databases (gnomAD no frequency). This sequence change creates a premature translational stop signal (p.Pro413Alafs*60) in the BCL11B gene. While this is not anticipated to result in nonsense mediated decay, it is expected to disrupt the last 482 amino acid(s) of the BCL11B protein.